The following is an entry in ClinVar:

NM_053025.4(MYLK):c.1875C>G (p.Phe625Leu)

Gene: MYLK (myosin light chain kinase; minus strand). Cytogenetic location: 3q21.1.
Variant type: single nucleotide variant.
Coding change: c.1875C>G on transcript NM_053025.4 (MANE Select); coding-DNA position 1875, C replaced by G.
Protein change: p.Phe625Leu; replaces phenylalanine 625 with leucine.
Molecular consequence: missense variant.
Genome position (GRCh38, 1-based): chr3:123,709,823, G>C on the plus strand (C>G on the coding strand, the complement: MYLK is on the minus strand). VCF-style: chr3-123709823-G-C. GRCh37 (hg19) VCF-style: chr3-123428670-G-C.
Other names: c.1347C>G, p.Phe449Leu (NM_001321309.2); c.1668C>G, p.Phe556Leu (NM_053026.4, NM_053028.4); c.1875C>G, p.Phe625Leu (NM_053027.4); short protein forms F449L, F625L, F556L.
Identifiers: ClinVar variation 2567257 (VCV002567257.2), dbSNP rs2474323124, ClinGen allele CA354234774.

ClinVar aggregate classification (germline): Uncertain significance (1 of 4 stars; one submission).

Conditions:
Familial thoracic aortic aneurysm and aortic dissection (TAAD). Also called: Thoracic aortic aneurysms and dissections. Identifiers: Orphanet 91387, MedGen C4707243, MONDO:0019625.

Submission:

Ambry Genetics
Classification: Uncertain significance for Familial thoracic aortic aneurysm and aortic dissection. Last evaluated: 2023-05-27. Review status: criteria provided, single submitter. Criteria: Ambry Variant Classification Scheme 2023. Collection method: clinical testing. Allele origin: germline.
Comment: The p.F625L variant (also known as c.1875C>G), located in coding exon 11 of the MYLK gene, results from a C to G substitution at nucleotide position 1875. The phenylalanine at codon 625 is replaced by leucine, an amino acid with highly similar properties. This amino acid position is conserved. In addition, the in silico prediction for this alteration is inconclusive. Since supporting evidence is limited at this time, the clinical significance of this alteration remains unclear.